The following is an entry in ClinVar:

NM_002109.6(HARS1):c.1492A>G (p.Ile498Val)

Gene: HARS1 (histidyl-tRNA synthetase 1; minus strand). Cytogenetic location: 5q31.3.
Variant type: single nucleotide variant.
Coding change: c.1492A>G on transcript NM_002109.6 (MANE Select); coding-DNA position 1492, A replaced by G.
Protein change: p.Ile498Val; replaces isoleucine 498 with valine.
Molecular consequence: missense variant.
Genome position (GRCh38, 1-based): chr5:140,674,295, T>C on the plus strand (A>G on the coding strand, the complement: HARS1 is on the minus strand). VCF-style: chr5-140674295-T-C. GRCh37 (hg19) VCF-style: chr5-140053880-T-C.
Other names: c.1372A>G, p.Ile458Val (NM_001258040.3); c.1432A>G, p.Ile478Val (NM_001258041.3); c.1312A>G, p.Ile438Val (NM_001258042.3); c.1270A>G, p.Ile424Val (NM_001289092.2); c.1150A>G, p.Ile384Val (NM_001289093.2); c.1405A>G, p.Ile469Val (NM_001289094.2); short protein forms I384V, I424V, I438V, I458V, I469V, I478V, I498V.
Identifiers: ClinVar variation 1058174 (VCV001058174.9), dbSNP rs2149818483, ClinGen allele CA361245590.
Genomic context (GRCh38, chr5:140,674,295, plus strand): 5'-TTCCTCTGATAGTTTGTTCAGTTCAGCAGATGCAGAGGGGCTGGCCTGTTCTCCTTTTGA[T>C]TTCCTCCACAAGGTCTTCTCTTCGGACATCCACCTGGCCAGGATGGGAGAAGAAGGTGGT-3'
Protein context (NP_002100.2, residues 488-508): DVRREDLVEE[Ile498Val]KRRTGQPLCI

ClinVar aggregate classification (germline): Uncertain significance (1 of 4 stars; one submission).

Conditions:
Usher syndrome type 3B. Also called: USHER SYNDROME, TYPE IIIB. Identifiers: MedGen C3281066, MONDO:0013788, OMIM 614504.

Submission:

Labcorp Genetics (formerly Invitae), Labcorp
Classification: Uncertain significance for Usher syndrome type 3B. Last evaluated: 2020-06-17. Review status: criteria provided, single submitter. Criteria: Invitae Variant Classification Sherloc (09022015). Collection method: clinical testing. Allele origin: germline.
Comment: This sequence change replaces isoleucine with valine at codon 498 of the HARS protein (p.Ile498Val). The isoleucine residue is moderately conserved and there is a small physicochemical difference between isoleucine and valine. This variant is not present in population databases (ExAC no frequency). This variant has not been reported in the literature in individuals with HARS-related conditions. Algorithms developed to predict the effect of missense changes on protein structure and function (SIFT, PolyPhen-2, Align-GVGD) all suggest that this variant is likely to be tolerated, but these predictions have not been confirmed by published functional studies and their clinical significance is uncertain. In summary, the available evidence is currently insufficient to determine the role of this variant in disease. Therefore, it has been classified as a Variant of Uncertain Significance.